The following is an entry in ClinVar:

NM_030928.4(CDT1):c.880C>T (p.Arg294Ter)

Gene: CDT1 (chromatin licensing and DNA replication factor 1; plus strand). Cytogenetic location: 16q24.3.
Variant type: single nucleotide variant.
Coding change: c.880C>T on transcript NM_030928.4 (MANE Select); coding-DNA position 880, C replaced by T.
Protein change: p.Arg294Ter; replaces arginine 294 with a stop codon.
Molecular consequence: nonsense.
Genome position (GRCh38, 1-based): chr16:88,806,068, C>T. VCF-style: chr16-88806068-C-T. GRCh37 (hg19) VCF-style: chr16-88872476-C-T.
Other names: short protein forms R294*.
Identifiers: ClinVar variation 2076232 (VCV002076232.2), dbSNP rs755972697, ClinGen allele CA8233884.
Genomic context (GRCh38, chr16:88,806,068, plus strand): 5'-ACTCGTCCCACAGAGGCTGACGGAGCAGCCCCCCAGCTCACGGCCTCGCGCCTCCTGCAG[C>T]GACGGCAGATCTTCAGCCAGAAGCTGGTGGAGCATGTCAAGGAGCACCACAAGGTGAGCG-3'

ClinVar aggregate classification (germline): Pathogenic (1 of 4 stars; one submission).

Allele frequency attached by ClinVar (database versions not stated): ExAC 0.00001; gnomAD exomes 0.00001; TOPMed 0.00001; gnomAD 0.00002.
gnomAD v4.1: 20 of 1,601,438 alleles (0.0012%); highest among the groups gnomAD compares: Admixed American, 0.0017%; no homozygotes.

Submission:

Labcorp Genetics (formerly Invitae), Labcorp
Classification: Pathogenic. Last evaluated: 2023-12-11. Review status: criteria provided, single submitter. Criteria: Invitae Variant Classification Sherloc (09022015). Collection method: clinical testing. Allele origin: germline.
Comment: This sequence change creates a premature translational stop signal (p.Arg294*) in the CDT1 gene. It is expected to result in an absent or disrupted protein product. Loss-of-function variants in CDT1 are known to be pathogenic (PMID: 21358632, 22333897). The frequency data for this variant in the population databases is considered unreliable, as metrics indicate poor data quality at this position in the gnomAD database. This variant has not been reported in the literature in individuals affected with CDT1-related conditions. ClinVar contains an entry for this variant (Variation ID: 2076232). Algorithms developed to predict the effect of sequence changes on RNA splicing suggest that this variant may create or strengthen a splice site. For these reasons, this variant has been classified as Pathogenic.

Literature cited by the submitters: PubMed 21358632; PubMed 22333897.